The following is an entry in ClinVar:

NM_000038.6(APC):c.1530_1548+10del

Gene: APC (APC regulator of Wnt signaling pathway; plus strand). Cytogenetic location: 5q22.2.
Variant type: Deletion.
Coding change: c.1530_1548+10del on transcript NM_000038.6 (MANE Select); coding-DNA position 1530 through 10 bases into the intron after coding-DNA position 1548, 29 bases deleted (TGGAGATGTAGCCAACAAGGTATGTTTTT).
Molecular consequence: splice donor variant.
Genome position (GRCh38, 1-based): chr5:112,827,229-112,827,257, TGGAGATGTAGCCAACAAGGTATGTTTTT deleted; deleting any 29 consecutive bases within chr5:112,827,226-112,827,257 gives the same sequence; the c. name uses the placement nearest the transcript's 3' end. VCF-style (leftmost placement, unchanged base first): chr5-112827225-CTTTTGGAGATGTAGCCAACAAGGTATGTT-C. GRCh37 (hg19) VCF-style: chr5-112162922-CTTTTGGAGATGTAGCCAACAAGGTATGTT-C.
Other names: c.1530_1548+10del (NM_001354895.2, NM_001127510.3); c.1560_1578+10del (NM_001354897.2); c.1257_1275+10del (NM_001354902.2); c.1476_1494+10del (NM_001127511.3); c.1455_1473+10del (NM_001354898.2); c.1152_1170+10del (NM_001354904.2); c.681_699+10del (NM_001354906.2); c.1584_1602+10del (NM_001354896.2); and 6 more.
Identifiers: ClinVar variation 469710 (VCV000469710.8), dbSNP rs1554081752, ClinGen allele CA658655939.
Genomic context (GRCh38, chr5:112,827,225, plus strand): 5'-CTAATGACCACTACAGTATTACACTAAGACGATATGCTGGAATGGCTTTGACAAACTTGA[CTTTTGGAGATGTAGCCAACAAGGTATGTT>C]TTTATAACATGTATTTCTTAAGATAGCTCAGGTATGAGTTAATTTACTTTCATACAAATA-3'

ClinVar aggregate classification (germline): Likely pathogenic (1 of 4 stars; one submission).

Conditions:
Familial adenomatous polyposis 1 (FAP1). Also called: POLYPOSIS, ADENOMATOUS INTESTINAL; FAMILIAL ADENOMATOUS POLYPOSIS 1, ATTENUATED. Identifiers: MedGen C2713442, MONDO:0021056, OMIM 175100. Disease mechanism: loss of function.

Submission:

Labcorp Genetics (formerly Invitae), Labcorp
Classification: Likely pathogenic for Familial adenomatous polyposis 1. Last evaluated: 2017-01-13. Review status: criteria provided, single submitter. Criteria: Invitae Variant Classification Sherloc (09022015). Collection method: clinical testing. Allele origin: germline.
Comment: In summary, donor and acceptor splice site variants are typically truncating (PMID: 16199547), and truncating variants in APC are known to be pathogenic (PMID: 20685668, 17963004). However, without additional functional and/or genetic data, this variant has been classified as Likely Pathogenic. This variant has not been reported in the literature in individuals with a APC-related disease. This sequence change affects donor splice site in intron 12 of the APC gene. It is expected to disrupt RNA splicing and likely results in an absent or disrupted protein product.

Literature cited by the submitters: PubMed 16199547; PubMed 20685668; PubMed 17963004.